The following is an entry in ClinVar:

ClinVar aggregate classification (germline): Pathogenic (1 of 4 stars; one submission).

Conditions:
Hypotonia, infantile, with psychomotor retardation and characteristic facies 3 (IHPRF3). Also called: TBCK-Related Neurodevelopmental Disorder. Identifiers: Orphanet 488632, MedGen C5567480, MONDO:0014823, OMIM 616900.

gnomAD v4.1: 1 of 1,596,660 alleles (0.000063%); highest among the groups gnomAD compares: Non-Finnish European, 0.000086%; no homozygotes.

Submission:

Broad Center for Mendelian Genomics, Broad Institute of MIT and Harvard
Classification: Pathogenic for Hypotonia, infantile, with psychomotor retardation and characteristic facies 3. Last evaluated: 2025-01-13. Review status: criteria provided, single submitter. Criteria: ACMG Guidelines, 2015. Collection method: curation. Allele origin: germline. Inheritance: Autosomal recessive inheritance.
Comment: The c.1860+1G>T variant in TBCK has not been previously reported in the literature in individuals with TBCK-related intellectual disability syndrome, but has been identified in 0.00009% (1/1098564) of European (non-Finnish) chromosomes by the Genome Aggregation Database (gnomAD). Although this variant has been seen in the general population in a heterozygous state, its frequency is low enough to be consistent with a recessive carrier frequency. This variant is located in the 3' splice region. Computational tools predict a splicing impact, though this information is not predictive enough to determine pathogenicity. Loss of function of the TBCK gene is an established disease mechanism in autosomal recessive TBCK-related intellectual disability syndrome. One additional pathogenic variant, predicted to induce the same splicing effect as this variant has been reported in association with TBCK-related intellectual disability syndrome in ClinVar, slightly supporting that this variant may be pathogenic (Variation ID: 636243). In summary, this variant meets criteria to be classified as pathogenic for autosomal recessive TBCK-related intellectual disability syndrome. ACMG/AMP Criteria applied: PVS1, PM2_supporting, PS1_supporting (Richards 2015).

NM_001163435.3(TBCK):c.1860+1G>T

Gene: TBCK (TBC1 domain containing kinase; minus strand). Cytogenetic location: 4q24.
Variant type: single nucleotide variant.
Coding change: c.1860+1G>T on transcript NM_001163435.3 (MANE Select); the canonical splice donor site of the intron after coding-DNA position 1860, G replaced by T.
Molecular consequence: splice donor variant.
Genome position (GRCh38, 1-based): chr4:106,212,749, C>A on the plus strand (G>T on the coding strand, the complement: TBCK is on the minus strand). VCF-style: chr4-106212749-C-A. GRCh37 (hg19) VCF-style: chr4-107133906-C-A.
Other names: NM_033115.5:c.1671+1G>T; c.1860+1G>T (NM_001163436.4); c.1671+1G>T (NM_033115.5); c.1743+1G>T (NM_001163437.3); c.1344+1G>T (NM_001290768.2).
Identifiers: ClinVar variation 3777003 (VCV003777003.1).